The following is an entry in ClinVar:

ClinVar aggregate classification (germline): Uncertain significance (1 of 4 stars; one submission).

Submission:

Labcorp Genetics (formerly Invitae), Labcorp
Classification: Uncertain significance. Last evaluated: 2024-01-10. Review status: criteria provided, single submitter. Criteria: Invitae Variant Classification Sherloc (09022015). Collection method: clinical testing. Allele origin: germline.
Comment: This sequence change falls in intron 9 of the KIF2A gene. It does not directly change the encoded amino acid sequence of the KIF2A protein. It affects a nucleotide within the consensus splice site. This variant is not present in population databases (gnomAD no frequency). This variant has not been reported in the literature in individuals affected with KIF2A-related conditions. Variants that disrupt the consensus splice site are a relatively common cause of aberrant splicing (PMID: 17576681, 9536098). Algorithms developed to predict the effect of sequence changes on RNA splicing suggest that this variant is not likely to affect RNA splicing. In summary, the available evidence is currently insufficient to determine the role of this variant in disease. Therefore, it has been classified as a Variant of Uncertain Significance.

Literature cited by the submitters: PubMed 17576681; PubMed 9536098.

NM_001098511.3(KIF2A):c.873-3A>G

Gene: KIF2A (kinesin family member 2A; plus strand). Cytogenetic location: 5q12.1.
Variant type: single nucleotide variant.
Coding change: c.873-3A>G on transcript NM_001098511.3 (MANE Select); 3 bases into the intron before coding-DNA position 873, A replaced by G.
Molecular consequence: intron variant.
Genome position (GRCh38, 1-based): chr5:62,361,239, A>G. VCF-style: chr5-62361239-A-G. GRCh37 (hg19) VCF-style: chr5-61657066-A-G.
Other names: c.792-3A>G (NM_001243952.2); c.873-3A>G (NM_004520.5); c.816-3A>G (NM_001243953.2).
Identifiers: ClinVar variation 2708698 (VCV002708698.3), dbSNP rs2531351447, ClinGen allele CA2673983701.
Genomic context (GRCh38, chr5:62,361,239, plus strand): 5'-AGCATTACTATTATTCATCAAAATATTGGTGACACATTCTGACTGATGCATTTTATTTTT[A>G]AGGTTTACTGCTAGACCACTAGTGGAAACTATATTTGAAAGGGGAATGGCTACATGCTTT-3'